The following is an entry in ClinVar:

NM_002206.3(ITGA7):c.2011G>A (p.Asp671Asn)

Genes: ITGA7 (integrin subunit alpha 7; minus strand), LOC126861535 (CDK7 strongly-dependent group 2 enhancer GRCh37_chr12:56087579-56088778; plus strand). Cytogenetic location: 12q13.2.
Variant type: single nucleotide variant.
Coding change: c.2011G>A on transcript NM_002206.3 (MANE Select); coding-DNA position 2011, G replaced by A.
Protein change: p.Asp671Asn; replaces aspartic acid 671 with asparagine.
Molecular consequence: missense variant.
Genome position (GRCh38, 1-based): chr12:55,694,963, C>T on the plus strand (G>A on the coding strand, the complement: ITGA7 is on the minus strand). VCF-style: chr12-55694963-C-T. GRCh37 (hg19) VCF-style: chr12-56088747-C-T.
Other names: c.2011G>A (NM_002206.2); c.2023G>A, p.Asp675Asn (NM_001144996.2); c.1732G>A, p.Asp578Asn (NM_001144997.2); c.1684G>A, p.Asp562Asn (NM_001367993.1); c.667G>A, p.Asp223Asn (NM_001367994.1); c.1993G>A, p.Asp665Asn (NM_001374465.1); c.2143G>A, p.Asp715Asn (NM_001410977.1); c.2005G>A, p.Asp669Asn (NM_001414029.1); and 5 more; short protein forms D223N, D558N, D578N, D669N, D671N, D562N, D631N, D610N.
Identifiers: ClinVar variation 2192188 (VCV002192188.5), dbSNP rs965781599, ClinGen allele CA237569334.

ClinVar aggregate classification (germline): Uncertain significance. Review status: criteria provided, multiple submitters, no conflicts (2 of 4 stars). 2 submissions from 2 submitters: Uncertain significance (2). Last evaluated 2025-09-25.

Conditions:
Congenital muscular dystrophy due to integrin alpha-7 deficiency. Also called: MYOPATHY, CONGENITAL, DUE TO INTEGRIN ALPHA-7 DEFICIENCY; Congenital muscular dystrophy with integrin alpha-7 deficiency; Muscular dystrophy, congenital, due to ITGA7 deficiency. Identifiers: Orphanet 34520, MedGen C2750786, MONDO:0013177, OMIM 613204.

Allele frequency attached by ClinVar (database versions not stated): gnomAD 0.00001; gnomAD exomes 0.00001; TOPMed 0.00002.
gnomAD v4.1: 16 of 1,613,252 alleles (0.00099%); highest among the groups gnomAD compares: Non-Finnish European, 0.0014%; no homozygotes.

Submissions (2):

Ambry Genetics
Classification: Uncertain significance. Last evaluated: 2025-09-25. Review status: criteria provided, single submitter. Criteria: Ambry Variant Classification Scheme 2023. Collection method: clinical testing. Allele origin: germline.

Labcorp Genetics (formerly Invitae), Labcorp
Classification: Uncertain significance for Congenital muscular dystrophy due to integrin alpha-7 deficiency. Last evaluated: 2023-11-27. Review status: criteria provided, single submitter. Criteria: Invitae Variant Classification Sherloc (09022015). Collection method: clinical testing. Allele origin: germline.
Comment: This sequence change replaces aspartic acid, which is acidic and polar, with asparagine, which is neutral and polar, at codon 671 of the ITGA7 protein (p.Asp671Asn). This variant is not present in population databases (gnomAD no frequency). This variant has not been reported in the literature in individuals affected with ITGA7-related conditions. ClinVar contains an entry for this variant (Variation ID: 2192188). Advanced modeling of protein sequence and biophysical properties (such as structural, functional, and spatial information, amino acid conservation, physicochemical variation, residue mobility, and thermodynamic stability) performed at Invitae indicates that this missense variant is not expected to disrupt ITGA7 protein function with a negative predictive value of 80%. In summary, the available evidence is currently insufficient to determine the role of this variant in disease. Therefore, it has been classified as a Variant of Uncertain Significance.